The following is an entry in ClinVar:

ClinVar aggregate classification (germline): Likely pathogenic. Review status: criteria provided, multiple submitters, no conflicts (2 of 4 stars). 2 submissions from 2 submitters: Likely pathogenic (2). Last evaluated 2023-07-05.

Conditions:
Osteogenesis imperfecta type I (OI1). Also called: OI, TYPE I; OSTEOGENESIS IMPERFECTA TARDA; OSTEOGENESIS IMPERFECTA WITH BLUE SCLERAE; Osteogenesis imperfecta type 1; Lobstein's Disease; Lobstein disease. Identifiers: Orphanet 216796, Orphanet 666, MedGen C0023931, MONDO:0008146, OMIM 166200. Disease mechanism: loss of function.

Allele frequency attached by ClinVar (database versions not stated): gnomAD exomes below 0.00001 and 0.00001.
gnomAD v4.1: 3 of 1,613,346 alleles (0.00019%); highest among the groups gnomAD compares: East Asian, 0.0022%; no homozygotes.

Submissions (2):

MVZ Medizinische Genetik Mainz
Classification: Likely pathogenic for Osteogenesis imperfecta type I. Last evaluated: 2023-07-05. Review status: criteria provided, single submitter. Criteria: UK Practice Guidelines For Variant Classification V4 01 2020. Collection method: clinical testing. Allele origin: germline. Inheritance: Autosomal dominant inheritance. Affected: yes. Observed: 1 variant allele.
Comment: ACMG Criteria: PM1_STR,PM5,PP3

Labcorp Genetics (formerly Invitae), Labcorp
Classification: Likely pathogenic for Osteogenesis imperfecta type I. Last evaluated: 2021-10-16. Review status: criteria provided, single submitter. Criteria: Invitae Variant Classification Sherloc (09022015). Collection method: clinical testing. Allele origin: germline.
Comment: This variant disrupts the triple helix domain of COL1A1. Glycine residues within the Gly-Xaa-Yaa repeats of the triple helix domain are required for the structure and stability of fibrillar collagens (PMID: 7695699, 8218237, 19344236). In COL1A1, variants affecting these glycine residues are significantly enriched in individuals with disease (PMID: 9016532, 17078022) compared to the general population (ExAC). In summary, the currently available evidence indicates that the variant is pathogenic, but additional data are needed to prove that conclusively. Therefore, this variant has been classified as Likely Pathogenic. This variant disrupts the p.Gly1157 amino acid residue in COL1A1. Other variant(s) that disrupt this residue have been observed in individuals with COL1A1-related conditions (PMID: 16638323, 30715774, 31994750), which suggests that this may be a clinically significant amino acid residue. Advanced modeling of protein sequence and biophysical properties (such as structural, functional, and spatial information, amino acid conservation, physicochemical variation, residue mobility, and thermodynamic stability) performed at Invitae indicates that this missense variant is expected to disrupt COL1A1 protein function. This variant has not been reported in the literature in individuals affected with COL1A1-related conditions. This variant is not present in population databases (ExAC no frequency). This sequence change replaces glycine with serine at codon 1157 of the COL1A1 protein (p.Gly1157Ser). The glycine residue is highly conserved and there is a small physicochemical difference between glycine and serine.

Literature cited by the submitters: PubMed 7695699 (cited by Labcorp Genetics (formerly Invitae), Labcorp); PubMed 8218237 (cited by Labcorp Genetics (formerly Invitae), Labcorp); PubMed 19344236 (cited by Labcorp Genetics (formerly Invitae), Labcorp); PubMed 9016532 (cited by Labcorp Genetics (formerly Invitae), Labcorp); PubMed 17078022 (cited by Labcorp Genetics (formerly Invitae), Labcorp); PubMed 16638323 (cited by Labcorp Genetics (formerly Invitae), Labcorp); PubMed 30715774 (cited by Labcorp Genetics (formerly Invitae), Labcorp); PubMed 31994750 (cited by Labcorp Genetics (formerly Invitae), Labcorp).

NM_000088.4(COL1A1):c.3469G>A (p.Gly1157Ser)

Gene: COL1A1 (collagen type I alpha 1 chain; minus strand). Cytogenetic location: 17q21.33.
Variant type: single nucleotide variant.
Coding change: c.3469G>A on transcript NM_000088.4 (MANE Select); coding-DNA position 3469, G replaced by A.
Protein change: p.Gly1157Ser; replaces glycine 1157 with serine.
Molecular consequence: missense variant.
Genome position (GRCh38, 1-based): chr17:50,187,077, C>T on the plus strand (G>A on the coding strand, the complement: COL1A1 is on the minus strand). VCF-style: chr17-50187077-C-T. GRCh37 (hg19) VCF-style: chr17-48264438-C-T.
Other names: short protein forms G1157S.
Identifiers: ClinVar variation 1494066 (VCV001494066.7), dbSNP rs1278821174, ClinGen allele CA400198833.